The following is an entry in ClinVar:

ClinVar aggregate classification (germline): Pathogenic. Review status: reviewed by expert panel (3 of 4 stars). 5 submissions from 5 submitters: Pathogenic (1). 4 of the submissions do not count toward it. Last evaluated 2017-12-15.

Conditions:
Hereditary cancer-predisposing syndrome. Also called: Hereditary Cancer Syndrome; Neoplastic Syndromes, Hereditary; Tumor predisposition; Hereditary neoplastic syndrome. Identifiers: Orphanet 140162, MedGen C0027672, MeSH D009386, MONDO:0015356.
Breast-ovarian cancer, familial, susceptibility to, 2 (BROVCA2). Also called: BRCA2 Hereditary Breast and Ovarian Cancer. Identifiers: Orphanet 145, MedGen C2675520, MONDO:0012933, OMIM 612555. Disease mechanism: loss of function.
Hereditary breast ovarian cancer syndrome. Also called: Hereditary breast and/or ovarian cancer syndrome; BRCA1- and BRCA2-Associated Hereditary Breast and Ovarian Cancer; Hereditary breast and ovarian cancer syndrome (HBOC); Hereditary breast and ovarian cancer; Hereditary breast and ovarian cancer syndrome; Breast and ovarian cancer. Identifiers: Orphanet 145, MedGen C0677776, MeSH D061325, MONDO:0003582. Disease mechanism: loss of function.

Submissions (5):

Evidence-based Network for the Interpretation of Germline Mutant Alleles (ENIGMA)
Classification: Pathogenic for Breast-ovarian cancer, familial, susceptibility to, 2. Last evaluated: 2017-12-15. Review status: reviewed by expert panel. Criteria: ENIGMA BRCA1/2 Classification Criteria (2017-06-29). Collection method: curation. Allele origin: germline. Study: ENIGMA.
Comment: Variant allele predicted to encode a truncated non-functional protein.

Color Diagnostics, LLC DBA Color Health
Classification: Pathogenic for Hereditary cancer-predisposing syndrome. Last evaluated: 2025-09-19. Review status: criteria provided, single submitter. Criteria: ACMG Guidelines, 2015. Collection method: clinical testing. Allele origin: germline. Not counted in ClinVar's aggregate classification.
Comment: This variant deletes 1 nucleotide in exon 11 of the BRCA2 gene, creating a frameshift and premature translation stop signal. This variant is expected to result in an absent or non-functional protein product. Multifactorial analysis on clinical data has reached a combined likelihood ratio (LR) of 0.922 from published LR for 1 carrier (PMID: 31853058). This variant has not been identified in the general population by the Genome Aggregation Database (gnomAD). Loss of BRCA2 function is a known mechanism of disease. Based on the available evidence, this variant is classified as Pathogenic.

Labcorp Genetics (formerly Invitae), Labcorp
Classification: Pathogenic for Hereditary breast ovarian cancer syndrome. Last evaluated: 2019-11-23. Review status: criteria provided, single submitter. Criteria: Invitae Variant Classification Sherloc (09022015). Collection method: clinical testing. Allele origin: germline. Not counted in ClinVar's aggregate classification.
Comment: This sequence change creates a premature translational stop signal (p.Lys1132Asnfs*18) in the BRCA2 gene. It is expected to result in an absent or disrupted protein product. This variant is not present in population databases (ExAC no frequency). This variant has not been reported in the literature in individuals with BRCA2-related disease. ClinVar contains an entry for this variant (Variation ID: 230170). Loss-of-function variants in BRCA2 are known to be pathogenic (PMID: 20104584). For these reasons, this variant has been classified as Pathogenic.

Quest Diagnostics Nichols Institute San Juan Capistrano
Classification: Pathogenic. Last evaluated: 2019-06-13. Review status: criteria provided, single submitter. Criteria: Quest Diagnostics criteria. Collection method: clinical testing. Allele origin: germline. Not counted in ClinVar's aggregate classification.
Comment: The variant results in a shift of the reading frame, and is therefore predicted to result in the loss of a functional protein. Found in at least one symptomatic patient, and not found in general population data.

Ambry Genetics
Classification: Pathogenic for Hereditary cancer-predisposing syndrome. Last evaluated: 2018-08-03. Review status: criteria provided, single submitter. Criteria: Ambry Variant Classification Scheme 2023. Collection method: clinical testing. Allele origin: germline. Not counted in ClinVar's aggregate classification.
Comment: The c.3396delA pathogenic mutation, located in coding exon 10 of the BRCA2 gene, results from a deletion of one nucleotide at nucleotide position 3396, causing a translational frameshift with a predicted alternate stop codon (p.K1132Nfs*18). This alteration is expected to result in loss of function by premature protein truncation or nonsense-mediated mRNA decay. As such, this alteration is interpreted as a disease-causing mutation.

Literature cited by the submitters: PubMed 31853058 (cited by Color Diagnostics, LLC DBA Color Health); PubMed 20104584 (cited by Labcorp Genetics (formerly Invitae), Labcorp).

NM_000059.4(BRCA2):c.3396del (p.Lys1132fs)

Gene: BRCA2 (BRCA2 DNA repair associated; plus strand). Cytogenetic location: 13q13.1.
Variant type: Deletion.
Coding change: c.3396del on transcript NM_000059.4 (MANE Select); coding-DNA position 3396, one base deleted (A; older notation c.3396delA).
Protein change: p.Lys1132fs; shifts the reading frame from lysine 1132.
Molecular consequence: frameshift variant.
Genome position (GRCh38, 1-based): chr13:32,337,751, A deleted; the last of 4 consecutive A bases (chr13:32,337,748-32,337,751); deleting any one gives the same sequence. VCF-style (leftmost placement, unchanged base first): chr13-32337747-GA-G. GRCh37 (hg19) VCF-style: chr13-32911884-GA-G.
Other names: c.3396delA (NM_000059.3); short protein forms K1132fs.
Identifiers: ClinVar variation 230170 (VCV000230170.19), dbSNP rs876658427, ClinGen allele CA10579575.